The following is an entry in ClinVar:

NM_198060.4(NRAP):c.424G>A (p.Glu142Lys)

Gene: NRAP (nebulin related anchoring protein; minus strand). Cytogenetic location: 10q25.3.
Variant type: single nucleotide variant.
Coding change: c.424G>A on transcript NM_198060.4 (MANE Select); coding-DNA position 424, G replaced by A.
Protein change: p.Glu142Lys; replaces glutamic acid 142 with lysine.
Molecular consequence: missense variant.
Genome position (GRCh38, 1-based): chr10:113,654,062, C>T on the plus strand (G>A on the coding strand, the complement: NRAP is on the minus strand). VCF-style: chr10-113654062-C-T. GRCh37 (hg19) VCF-style: chr10-115413821-C-T.
Other names: c.424G>A, p.Glu142Lys (NM_001261463.2, NM_001322945.2, NM_006175.5); short protein forms E142K.
Identifiers: ClinVar variation 3895307 (VCV003895307.1), dbSNP rs141144397.
Genomic context (GRCh38, chr10:113,654,062, plus strand): 5'-CAATTTCTAGGGTGCTTACCTCACCAAGAGACTTTCGAGCCTCAACCATCCTTACAATTT[C>T]GGGGTCTGGCAGAGCTCCTGGGCACCAAGCATTCCCTTCCCCATATCCAGTCCAATAGGC-3'
Protein context (NP_932326.2, residues 132-152): AWCPGALPDP[Glu142Lys]IVRMVEARKS

ClinVar aggregate classification (germline): Uncertain significance (1 of 4 stars; one submission).

Conditions:
Cardiovascular phenotype. Identifiers: MedGen CN230736.

gnomAD v4.1: 261 of 1,613,782 alleles (0.016%); highest among the groups gnomAD compares: Middle Eastern, 0.15%; no homozygotes.

Submission:

Molecular Diagnostic Laboratory for Inherited Cardiovascular Disease, Montreal Heart Institute
Classification: Uncertain significance for Cardiovascular phenotype. Last evaluated: 2025-04-09. Review status: criteria provided, single submitter. Criteria: ACMG Guidelines, 2015. Collection method: clinical testing. Allele origin: germline. Affected: yes.
Comment: PM2, BP4